The following is an entry in ClinVar:

NM_001845.6(COL4A1):c.2657C>T (p.Thr886Ile)

Gene: COL4A1 (collagen type IV alpha 1 chain; minus strand). Cytogenetic location: 13q34.
Variant type: single nucleotide variant.
Coding change: c.2657C>T on transcript NM_001845.6 (MANE Select); coding-DNA position 2657, C replaced by T.
Protein change: p.Thr886Ile; replaces threonine 886 with isoleucine.
Molecular consequence: missense variant.
Genome position (GRCh38, 1-based): chr13:110,177,901, G>A on the plus strand (C>T on the coding strand, the complement: COL4A1 is on the minus strand). VCF-style: chr13-110177901-G-A. GRCh37 (hg19) VCF-style: chr13-110830248-G-A.
Other names: short protein forms T886I.
Identifiers: ClinVar variation 1210089 (VCV001210089.6), dbSNP rs770887997, ClinGen allele CA256255408.

ClinVar aggregate classification (germline): Uncertain significance. Review status: criteria provided, multiple submitters, no conflicts (2 of 4 stars). 4 submissions from 4 submitters: Uncertain significance (2). 2 of the submissions do not count toward it. Last evaluated 2025-12-15.

Submissions (4):

Labcorp Genetics (formerly Invitae), Labcorp
Classification: Uncertain significance. Last evaluated: 2025-12-15. Review status: criteria provided, single submitter. Criteria: Invitae Variant Classification Sherloc (09022015). Collection method: clinical testing. Allele origin: germline.
Comment: This sequence change replaces threonine, which is neutral and polar, with isoleucine, which is neutral and non-polar, at codon 886 of the COL4A1 protein (p.Thr886Ile). This variant is present in population databases (no rsID available, gnomAD 0.007%). This missense change has been observed in individual(s) with COL4A1-related conditions (PMID: 32631363). ClinVar contains an entry for this variant (Variation ID: 1210089). Invitae Evidence Modeling of protein sequence and biophysical properties (such as structural, functional, and spatial information, amino acid conservation, physicochemical variation, residue mobility, and thermodynamic stability) indicates that this missense variant is not expected to disrupt COL4A1 protein function with a negative predictive value of 95%. In summary, the available evidence is currently insufficient to determine the role of this variant in disease. Therefore, it has been classified as a Variant of Uncertain Significance.

Blueprint Genetics
Classification: Uncertain significance. Last evaluated: 2024-09-02. Review status: criteria provided, single submitter. Criteria: ACMG Guidelines, 2015. Collection method: clinical testing. Allele origin: germline.

Clinical Genetics DNA and cytogenetics Diagnostics Lab, Erasmus MC, Erasmus Medical Center
Classification: Uncertain significance. Review status: no assertion criteria provided. Collection method: clinical testing. Allele origin: germline. Affected: yes. Study: VKGL Data-share Consensus. Not counted in ClinVar's aggregate classification.

Genome Diagnostics Laboratory, Amsterdam University Medical Center
Classification: Uncertain significance. Review status: no assertion criteria provided. Collection method: clinical testing. Allele origin: germline. Affected: yes. Study: VKGL Data-share Consensus. Not counted in ClinVar's aggregate classification.

Literature cited by the submitters: PubMed 32631363 (cited by Labcorp Genetics (formerly Invitae), Labcorp).